The following is an entry in ClinVar:

NM_004304.5(ALK):c.140C>G (p.Ser47Trp)

Gene: ALK (ALK receptor tyrosine kinase; minus strand). Cytogenetic location: 2p23.1.
Variant type: single nucleotide variant.
Coding change: c.140C>G on transcript NM_004304.5 (MANE Select); coding-DNA position 140, C replaced by G.
Protein change: p.Ser47Trp; replaces serine 47 with tryptophan.
Molecular consequence: missense variant.
Genome position (GRCh38, 1-based): chr2:29,920,520, G>C on the plus strand (C>G on the coding strand, the complement: ALK is on the minus strand). VCF-style: chr2-29920520-G-C. GRCh37 (hg19) VCF-style: chr2-30143386-G-C.
Other names: short protein forms S47W.
Identifiers: ClinVar variation 4039539 (VCV004039539.2).

ClinVar aggregate classification (germline): Uncertain significance. Review status: criteria provided, multiple submitters, no conflicts (2 of 4 stars). 2 submissions from 2 submitters: Uncertain significance (2). Last evaluated 2025-04-21.

Conditions:
Hereditary cancer-predisposing syndrome. Also called: Neoplastic Syndromes, Hereditary; Tumor predisposition; Hereditary Cancer Syndrome; Hereditary neoplastic syndrome. Identifiers: Orphanet 140162, MedGen C0027672, MeSH D009386, MONDO:0015356.
Neuroblastoma, susceptibility to, 3. Also called: ALK-Related Neuroblastic Tumor Susceptibility. Identifiers: Orphanet 635, MedGen C2751681, MONDO:0013083, OMIM 613014.

gnomAD v4.1: 15 of 1,611,974 alleles (0.00093%); highest among the groups gnomAD compares: Non-Finnish European, 0.0012%; no homozygotes.

Submissions (2):

Ambry Genetics
Classification: Uncertain significance for Hereditary cancer-predisposing syndrome. Last evaluated: 2025-04-21. Review status: criteria provided, single submitter. Criteria: Ambry Variant Classification Scheme 2023. Collection method: clinical testing. Allele origin: germline.
Comment: The p.S47W variant (also known as c.140C>G), located in coding exon 1 of the ALK gene, results from a C to G substitution at nucleotide position 140. The serine at codon 47 is replaced by tryptophan, an amino acid with highly dissimilar properties. This amino acid position is highly conserved in available vertebrate species. In addition, the in silico prediction for this alteration is inconclusive. Based on the available evidence, the clinical significance of this variant remains unclear.

Labcorp Genetics (formerly Invitae), Labcorp
Classification: Uncertain significance for Neuroblastoma, susceptibility to, 3. Last evaluated: 2025-03-02. Review status: criteria provided, single submitter. Criteria: Invitae Variant Classification Sherloc (09022015). Collection method: clinical testing. Allele origin: germline.
Comment: This sequence change replaces serine, which is neutral and polar, with tryptophan, which is neutral and slightly polar, at codon 47 of the ALK protein (p.Ser47Trp). This variant is present in population databases (no rsID available, gnomAD 0.001%). This variant has not been reported in the literature in individuals affected with ALK-related conditions. An algorithm developed to predict the effect of missense changes on protein structure and function (PolyPhen-2) suggests that this variant is likely to be disruptive. In summary, the available evidence is currently insufficient to determine the role of this variant in disease. Therefore, it has been classified as a Variant of Uncertain Significance.